The following is an entry in ClinVar:

NM_001159699.2(FHL1):c.575dup (p.Tyr192Ter)

Gene: FHL1 (four and a half LIM domains 1; plus strand). Cytogenetic location: Xq26.3.
Variant type: Duplication.
Coding change: c.575dup on transcript NM_001159699.2 (MANE Select); coding-DNA position 575, one base duplicated (A; older notation c.575dupA).
Protein change: p.Tyr192Ter; replaces tyrosine 192 with a stop codon.
Molecular consequence: nonsense. On other transcripts: non-coding transcript variant (1), intron variant (2).
Genome position (GRCh38, 1-based): chrX:136,208,480, A duplicated. VCF-style (leftmost placement, unchanged base first): chrX-136208479-T-TA. GRCh37 (hg19) VCF-style: chrX-135290638-T-TA.
Other names: c.527dup, p.Tyr176Ter (NM_001159700.2, NM_001159702.3, NM_001159704.1 and 8 more transcripts); c.614dup, p.Tyr205Ter (NM_001159701.2); c.501+519dup (NM_001159703.2); c.549+519dup (NM_001330659.2); short protein forms Y176*, Y192*, Y205*.
Identifiers: ClinVar variation 2572619 (VCV002572619.1), dbSNP rs2521300616, ClinGen allele CA2580612494.

ClinVar aggregate classification (germline): Likely pathogenic (1 of 4 stars; one submission).

Conditions:
Myopathy, reducing body, X-linked, early-onset, severe (RBMX1A). Also called: REDUCING BODY MYOPATHY, X-LINKED 1, SEVERE, WITH INFANTILE OR EARLY CHILDHOOD ONSET. Identifiers: Orphanet 97239, MedGen C4225423, MONDO:0010414, OMIM 300717.

Submission:

Laboratory of Medical Genetics, National & Kapodistrian University of Athens
Classification: Likely pathogenic for Myopathy, reducing body, X-linked, early-onset, severe. Last evaluated: 2022-10-18. Review status: criteria provided, single submitter. Criteria: ACMG Guidelines, 2015. Collection method: clinical testing. Allele origin: germline. Affected: yes.
Comment: PVS1, PM2